The following is an entry in ClinVar:

NM_024426.6(WT1):c.1272_1273del (p.Lys424fs)

Gene: WT1 (WT1 transcription factor; minus strand). Cytogenetic location: 11p13.
Variant type: Deletion.
Coding change: c.1272_1273del on transcript NM_024426.6 (MANE Select); coding-DNA positions 1272 to 1273, 2 bases deleted (AC; older notation c.1272_1273delAC).
Protein change: p.Lys424fs; shifts the reading frame from lysine 424.
Molecular consequence: frameshift variant. On other transcripts: non-coding transcript variant (2), intron variant (1).
Genome position (GRCh38, 1-based): chr11:32,392,747-32,392,748, GT deleted on the plus strand (AC on the coding strand, the reverse complement: WT1 is on the minus strand). VCF-style (leftmost placement, unchanged base first): chr11-32392746-GGT-G. GRCh37 (hg19) VCF-style: chr11-32414292-GGT-G.
Other names: c.1221_1222del, p.Lys407fs (NM_000378.6, NM_001407045.1, NM_001407049.1); c.621_622del, p.Lys207fs (NM_001198551.2); c.570_571del, p.Lys190fs (NM_001198552.2); c.84_85del, p.Lys28fs (NM_001367854.1); c.1266_1267del, p.Lys422fs (NM_001407044.1); c.1272_1273del, p.Lys424fs (NM_001407046.1, NM_024424.5); c.1149_1150del, p.Lys383fs (NM_001407047.1); c.1098_1099del, p.Lys366fs (NM_001407050.1); and 4 more; short protein forms K170fs, K190fs, K207fs, K28fs, K334fs, K351fs, K366fs, K383fs.
Identifiers: ClinVar variation 3344917 (VCV003344917.1).
Genomic context (GRCh38, chr11:32,392,746, plus strand): 5'-CTTTTGAGCTGGTCTGAACGAGAAAACCTTCGTTCACAGTCCTTGAAGTCACACTGGTAT[GGT>G]TTCTCACCTTGGGGAAGACACATATTCTATTTGAAAATGATACTGGAAAAGGGGATCTCA-3'

ClinVar aggregate classification (germline): Likely pathogenic (0 of 4 stars; one submission).

Conditions:
WT1-related disorder. Also called: WT1-related disorders. Identifiers: MedGen CN377814.

Submission:

PreventionGenetics, part of Exact Sciences
Classification: Likely pathogenic for WT1-related condition. Last evaluated: 2024-07-12. Review status: no assertion criteria provided. Collection method: clinical testing. Allele origin: germline.
Comment: The WT1 c.1257_1258delAC variant is predicted to result in a frameshift and premature protein termination (p.Lys419Asnfs*5). To our knowledge, this variant has not been reported in the literature or in a large population database, indicating this variant is rare. Frameshift variants in WT1 are expected to be pathogenic. This variant is interpreted as likely pathogenic.